The following is an entry in ClinVar:

NM_020754.4(ARHGAP31):c.1600G>A (p.Gly534Ser)

Gene: ARHGAP31 (Rho GTPase activating protein 31; plus strand). Cytogenetic location: 3q13.33.
Variant type: single nucleotide variant.
Coding change: c.1600G>A on transcript NM_020754.4 (MANE Select); coding-DNA position 1600, G replaced by A.
Protein change: p.Gly534Ser; replaces glycine 534 with serine.
Molecular consequence: missense variant.
Genome position (GRCh38, 1-based): chr3:119,402,352, G>A. VCF-style: chr3-119402352-G-A. GRCh37 (hg19) VCF-style: chr3-119121199-G-A.
Other names: c.1600G>A (NM_020754.2); short protein forms G534S.
Identifiers: ClinVar variation 1357733 (VCV001357733.7), dbSNP rs755079949, ClinGen allele CA2553851.
Genomic context (GRCh38, chr3:119,402,352, plus strand): 5'-AAGGAGCTGCAGTCTCTTTCCAGCCTGGAAGAGTTTTCTTTTCATGGATCAGAGAGCGGA[G>A]GCTGGCCAGAAGAAGAGAAACCGCTGGGAGCTGAGACTTCTGCAGGTAAGTAGAGGAGAG-3'
Protein context (NP_065805.2, residues 524-544): EFSFHGSESG[Gly534Ser]WPEEEKPLGA

ClinVar aggregate classification (germline): Conflicting classifications of pathogenicity. Review status: criteria provided, conflicting classifications (1 of 4 stars). 2 submissions from 2 submitters: Uncertain significance (1); Likely benign (1). Last evaluated 2025-04-08.

Conditions:
Inborn genetic diseases. Identifiers: MedGen C0950123, MeSH D030342.

Allele frequency attached by ClinVar (database versions not stated): ExAC 0.00004; TOPMed 0.00004; gnomAD exomes 0.00005 and 0.00006; gnomAD 0.00007.
gnomAD v4.1: 84 of 1,613,690 alleles (0.0052%); highest among the groups gnomAD compares: Middle Eastern, 0.13%; no homozygotes.

Submissions (2):

Labcorp Genetics (formerly Invitae), Labcorp
Classification: Uncertain significance. Last evaluated: 2025-04-08. Review status: criteria provided, single submitter. Criteria: Invitae Variant Classification Sherloc (09022015). Collection method: clinical testing. Allele origin: germline.
Comment: This sequence change replaces glycine, which is neutral and non-polar, with serine, which is neutral and polar, at codon 534 of the ARHGAP31 protein (p.Gly534Ser). This variant is present in population databases (rs755079949, gnomAD 0.01%). This variant has not been reported in the literature in individuals affected with ARHGAP31-related conditions. ClinVar contains an entry for this variant (Variation ID: 1357733). An algorithm developed to predict the effect of missense changes on protein structure and function outputs the following: PolyPhen-2: "Benign". The serine amino acid residue is found in multiple mammalian species, which suggests that this missense change does not adversely affect protein function. In summary, the available evidence is currently insufficient to determine the role of this variant in disease. Therefore, it has been classified as a Variant of Uncertain Significance.

Ambry Genetics
Classification: Likely benign for Inborn genetic diseases. Last evaluated: 2024-01-02. Review status: criteria provided, single submitter. Criteria: Ambry Variant Classification Scheme 2023. Collection method: clinical testing. Allele origin: germline.